The following is an entry in ClinVar:

ClinVar aggregate classification (germline): Uncertain significance (1 of 4 stars; one submission).

gnomAD v4.1: 1 of 1,614,146 alleles (0.000062%); highest among the groups gnomAD compares: Non-Finnish European, 0.000085%; no homozygotes.

Submission:

CeGaT Center for Human Genetics Tuebingen
Classification: Uncertain significance. Last evaluated: 2024-11-01. Review status: criteria provided, single submitter. Criteria: CeGaT Center For Human Genetics Tuebingen Variant Classification Criteria Version 2. Collection method: clinical testing. Allele origin: germline. Affected: yes. Observed: 1 variant allele.
Comment: CHAMP1: PM2, BP4

NM_032436.4(CHAMP1):c.1801C>G (p.Leu601Val)

Gene: CHAMP1 (chromosome alignment maintaining phosphoprotein 1; plus strand). Cytogenetic location: 13q34.
Variant type: single nucleotide variant.
Coding change: c.1801C>G on transcript NM_032436.4 (MANE Select); coding-DNA position 1801, C replaced by G.
Protein change: p.Leu601Val; replaces leucine 601 with valine.
Molecular consequence: missense variant.
Genome position (GRCh38, 1-based): chr13:114,325,643, C>G. VCF-style: chr13-114325643-C-G. GRCh37 (hg19) VCF-style: chr13-115091118-C-G.
Other names: c.1801C>G, p.Leu601Val (NM_001164144.3, NM_001164145.3); short protein forms L601V.
Identifiers: ClinVar variation 3389128 (VCV003389128.14).